The following is an entry in ClinVar:

NM_000455.5(STK11):c.1081A>G (p.Ile361Val)

Genes: STK11 (serine/threonine kinase 11; plus strand), LOC130062899 (ATAC-STARR-seq lymphoblastoid active region 13597; plus strand). Cytogenetic location: 19p13.3.
Variant type: single nucleotide variant.
Coding change: c.1081A>G on transcript NM_000455.5 (MANE Select); coding-DNA position 1081, A replaced by G.
Protein change: p.Ile361Val; replaces isoleucine 361 with valine.
Molecular consequence: missense variant.
Genome position (GRCh38, 1-based): chr19:1,223,145, A>G. VCF-style: chr19-1223145-A-G. GRCh37 (hg19) VCF-style: chr19-1223144-A-G.
Other names: short protein forms I361V.
Identifiers: ClinVar variation 185701 (VCV000185701.9), dbSNP rs786202388, ClinGen allele CA022275.

ClinVar aggregate classification (germline): Conflicting classifications of pathogenicity. Review status: criteria provided, conflicting classifications (1 of 4 stars). 2 submissions from 2 submitters: Uncertain significance (1); Likely benign (1). Last evaluated 2026-09-11.

Conditions:
Hereditary cancer-predisposing syndrome. Also called: Neoplastic Syndromes, Hereditary; Hereditary Cancer Syndrome; Tumor predisposition; Hereditary neoplastic syndrome. Identifiers: Orphanet 140162, MedGen C0027672, MeSH D009386, MONDO:0015356.
Peutz-Jeghers syndrome (PJS). Also called: Peutz-Jeghers polyposis; Periorificial lentiginosis syndrome; POLYPOSIS, HAMARTOMATOUS INTESTINAL; POLYPS-AND-SPOTS SYNDROME. Identifiers: Orphanet 2869, MedGen C0031269, MeSH D010580, MONDO:0008280, OMIM 175200.

Submissions (2):

Ambry Genetics
Classification: Likely benign for Hereditary cancer-predisposing syndrome. Last evaluated: 2026-09-11. Review status: criteria provided, single submitter. Criteria: Ambry Variant Classification Scheme 2023. Collection method: clinical testing. Allele origin: germline.

Labcorp Genetics (formerly Invitae), Labcorp
Classification: Uncertain significance for Peutz-Jeghers syndrome. Last evaluated: 2024-06-04. Review status: criteria provided, single submitter. Criteria: Invitae Variant Classification Sherloc (09022015). Collection method: clinical testing. Allele origin: germline.
Comment: This sequence change replaces isoleucine, which is neutral and non-polar, with valine, which is neutral and non-polar, at codon 361 of the STK11 protein (p.Ile361Val). This variant is not present in population databases (gnomAD no frequency). This variant has not been reported in the literature in individuals affected with STK11-related conditions. ClinVar contains an entry for this variant (Variation ID: 185701). Advanced modeling of protein sequence and biophysical properties (such as structural, functional, and spatial information, amino acid conservation, physicochemical variation, residue mobility, and thermodynamic stability) performed at Invitae indicates that this missense variant is not expected to disrupt STK11 protein function with a negative predictive value of 95%. In summary, the available evidence is currently insufficient to determine the role of this variant in disease. Therefore, it has been classified as a Variant of Uncertain Significance.